The following is an entry in ClinVar:

ClinVar aggregate classification (germline): Uncertain significance. Review status: criteria provided, single submitter (1 of 4 stars). 2 submissions from 2 submitters: Uncertain significance (1). 1 of the submissions does not count toward it. Last evaluated 2021-12-24.

Conditions:
Niemann-Pick disease, type C1. Also called: NEUROVISCERAL STORAGE DISEASE WITH VERTICAL SUPRANUCLEAR OPHTHALMOPLEGIA; NIEMANN-PICK DISEASE WITH CHOLESTEROL ESTERIFICATION BLOCK; NIEMANN-PICK DISEASE WITHOUT SPHINGOMYELINASE DEFICIENCY; NIEMANN-PICK DISEASE, CHRONIC NEURONOPATHIC FORM; NIEMANN-PICK DISEASE, VARIANT TYPE C1. Identifiers: Orphanet 646, MedGen C3179455, MONDO:0009757, OMIM 257220.

Allele frequency attached by ClinVar (database versions not stated): gnomAD exomes below 0.00001; TOPMed below 0.00001.
gnomAD v4.1: 2 of 1,614,154 alleles (0.00012%); highest among the groups gnomAD compares: Non-Finnish European, 0.00017%; no homozygotes.

Submissions (2):

Labcorp Genetics (formerly Invitae), Labcorp
Classification: Uncertain significance for Niemann-Pick disease, type C1. Last evaluated: 2021-12-24. Review status: criteria provided, single submitter. Criteria: Invitae Variant Classification Sherloc (09022015). Collection method: clinical testing. Allele origin: germline.
Comment: This sequence change replaces glycine, which is neutral and non-polar, with serine, which is neutral and polar, at codon 660 of the NPC1 protein (p.Gly660Ser). This variant is not present in population databases (gnomAD no frequency). This missense change has been observed in individual(s) with Niemann-Pick disease type C (PMID: 12955717). ClinVar contains an entry for this variant (Variation ID: 558673). Advanced modeling of protein sequence and biophysical properties (such as structural, functional, and spatial information, amino acid conservation, physicochemical variation, residue mobility, and thermodynamic stability) performed at Invitae indicates that this missense variant is expected to disrupt NPC1 protein function. In summary, the available evidence is currently insufficient to determine the role of this variant in disease. Therefore, it has been classified as a Variant of Uncertain Significance.

Counsyl
Classification: Uncertain significance for Niemann-Pick disease, type C1. Last evaluated: 2018-06-04. Review status: no assertion criteria provided. Collection method: clinical testing. Allele origin: unknown. Not counted in ClinVar's aggregate classification.

Literature cited by the submitters: PubMed 12955717 (cited by Labcorp Genetics (formerly Invitae), Labcorp and Counsyl); PubMed 19744920 (cited by Counsyl).

NM_000271.5(NPC1):c.1978G>A (p.Gly660Ser)

Gene: NPC1 (NPC intracellular cholesterol transporter 1; minus strand). Cytogenetic location: 18q11.2.
Variant type: single nucleotide variant.
Coding change: c.1978G>A on transcript NM_000271.5 (MANE Select); coding-DNA position 1978, G replaced by A.
Protein change: p.Gly660Ser; replaces glycine 660 with serine.
Molecular consequence: missense variant.
Genome position (GRCh38, 1-based): chr18:23,544,496, C>T on the plus strand (G>A on the coding strand, the complement: NPC1 is on the minus strand). VCF-style: chr18-23544496-C-T. GRCh37 (hg19) VCF-style: chr18-21124460-C-T.
Other names: short protein forms G660S.
Identifiers: ClinVar variation 558673 (VCV000558673.4), dbSNP rs1555634490, ClinGen allele CA401771743.